The following is an entry in ClinVar:

ClinVar aggregate classification (germline): Uncertain significance (1 of 4 stars; one submission).

Conditions:
Primary ciliary dyskinesia. Also called: Ciliary dyskinesia. Identifiers: Orphanet 244, MedGen C0008780, MONDO:0016575, HP:0012265.

Submission:

Labcorp Genetics (formerly Invitae), Labcorp
Classification: Uncertain significance for Primary ciliary dyskinesia. Last evaluated: 2025-11-12. Review status: criteria provided, single submitter. Criteria: Invitae Variant Classification Sherloc (09022015). Collection method: clinical testing. Allele origin: germline.
Comment: This sequence change replaces glutamic acid, which is acidic and polar, with glycine, which is neutral and non-polar, at codon 1080 of the DNAH5 protein (p.Glu1080Gly). This variant is not present in population databases (gnomAD no frequency). This variant has not been reported in the literature in individuals affected with DNAH5-related conditions. Invitae Evidence Modeling of protein sequence and biophysical properties (such as structural, functional, and spatial information, amino acid conservation, physicochemical variation, residue mobility, and thermodynamic stability) indicates that this missense variant is not expected to disrupt DNAH5 protein function with a negative predictive value of 95%. In summary, the available evidence is currently insufficient to determine the role of this variant in disease. Therefore, it has been classified as a Variant of Uncertain Significance.

NM_001369.3(DNAH5):c.3239A>G (p.Glu1080Gly)

Genes: DNAH5 (dynein axonemal heavy chain 5; minus strand), DNAH5-AS1 (DNAH5 antisense RNA 1; plus strand). Cytogenetic location: 5p15.2.
Variant type: single nucleotide variant.
Coding change: c.3239A>G on transcript NM_001369.3 (MANE Select); coding-DNA position 3239, A replaced by G.
Protein change: p.Glu1080Gly; replaces glutamic acid 1080 with glycine.
Molecular consequence: missense variant.
Genome position (GRCh38, 1-based): chr5:13,882,751, T>C on the plus strand (A>G on the coding strand, the complement: DNAH5 is on the minus strand). VCF-style: chr5-13882751-T-C. GRCh37 (hg19) VCF-style: chr5-13882860-T-C.
Other names: short protein forms E1080G.
Identifiers: ClinVar variation 4802713 (VCV004802713.1).
Genomic context (GRCh38, chr5:13,882,751, plus strand): 5'-TACAATGCCTCTTTTAAAAGACTAAAAGAACATTTACCTTGAAGTTCATTTTCTCCCATT[T>C]CAACATCAGAATCACTGTCTTCATTACTCTGCAAAGCAGCCATTTTTCTTTCTTGTATCT-3'
Protein context (NP_001360.1, residues 1070-1090): QSNEDSDSDV[Glu1080Gly]MGENELQDTL